The following is an entry in ClinVar:

ClinVar aggregate classification (germline): Uncertain significance. Review status: criteria provided, single submitter (1 of 4 stars). 3 submissions from 1 submitter: Uncertain significance (3). Last evaluated 2022-10-17.

Conditions:
Neurodegeneration with brain iron accumulation 5 (NBIA5). Also called: STATIC ENCEPHALOPATHY OF CHILDHOOD WITH NEURODEGENERATION IN ADULTHOOD; Beta-propeller protein-associated neurodegeneration. Identifiers: Orphanet 329284, MedGen C3550973, MONDO:0010476, OMIM 300894.
SLC35A2-congenital disorder of glycosylation. Also called: CDG IIm; CONGENITAL DISORDER OF GLYCOSYLATION, TYPE IIm, SOMATIC MOSAIC; CONGENITAL DISORDER OF GLYCOSYLATION, TYPE IIm; SLC35A2-CDG; EPILEPTIC ENCEPHALOPATHY, EARLY INFANTILE, 22; DEVELOPMENTAL AND EPILEPTIC ENCEPHALOPATHY 22. Identifiers: Orphanet 356961, MedGen C3806688, MONDO:0010478, OMIM 300896.
Epilepsy, X-linked 1, with variable learning disabilities and behavior disorders. Also called: X-linked epilepsy-learning disabilities-behavior disorders syndrome. Identifiers: Orphanet 85294, MedGen C5774177, MONDO:0010339, OMIM 300491.

Submissions (3):

Labcorp Genetics (formerly Invitae), Labcorp
Classification: Uncertain significance for SLC35A2-congenital disorder of glycosylation. Last evaluated: 2022-10-17. Review status: criteria provided, single submitter. Criteria: Invitae Variant Classification Sherloc (09022015). Collection method: clinical testing. Allele origin: germline.
Comment: A copy number gain of the genomic region encompassing the full coding sequence of the SLC35A2 gene has been identified. The boundaries of this event are unknown as they extend beyond the assayed region for this gene and therefore may encompass additional genes. As the precise location of this event is unknown, it may be in tandem or it may be located elsewhere in the genome. This variant has not been reported in the literature in individuals affected with SLC35A2-related conditions. In summary, the available evidence is currently insufficient to determine the role of this variant in disease. Therefore, it has been classified as a Variant of Uncertain Significance.

Labcorp Genetics (formerly Invitae), Labcorp
Classification: Uncertain significance for Neurodegeneration with brain iron accumulation 5. Last evaluated: 2022-10-17. Review status: criteria provided, single submitter. Criteria: Invitae Variant Classification Sherloc (09022015). Collection method: clinical testing. Allele origin: germline.
Comment: A copy number gain of the genomic region encompassing the full coding sequence of the WDR45 gene has been identified. The boundaries of this event are unknown as they extend beyond the assayed region for this gene and therefore may encompass additional genes. As the precise location of this event is unknown, it may be in tandem or it may be located elsewhere in the genome. This variant has not been reported in the literature in individuals affected with WDR45-related conditions. In summary, the available evidence is currently insufficient to determine the role of this variant in disease. Therefore, it has been classified as a Variant of Uncertain Significance.

Labcorp Genetics (formerly Invitae), Labcorp
Classification: Uncertain significance for Epilepsy, X-linked 1, with variable learning disabilities and behavior disorders. Last evaluated: 2022-10-17. Review status: criteria provided, single submitter. Criteria: Invitae Variant Classification Sherloc (09022015). Collection method: clinical testing. Allele origin: germline.
Comment: A copy number gain of the genomic region encompassing the full coding sequence of the SYN1 gene has been identified. The boundaries of this event are unknown as they extend beyond the assayed region for this gene and therefore may encompass additional genes. As the precise location of this event is unknown, it may be in tandem or it may be located elsewhere in the genome. This variant has not been reported in the literature in individuals affected with SYN1-related conditions. In summary, the available evidence is currently insufficient to determine the role of this variant in disease. Therefore, it has been classified as a Variant of Uncertain Significance.

NC_000023.10:g.(?_47001716)_(50659607_?)dup

Genes: AKAP4 (A-kinase anchoring protein 4; minus strand), ARAF (A-Raf proto-oncogene, serine/threonine kinase; plus strand), BMP15 (bone morphogenetic protein 15; plus strand), CACNA1F (calcium voltage-gated channel subunit alpha1 F; minus strand), CCDC120 (coiled-coil domain containing 120; plus strand) and 82 more. Cytogenetic location: Xp11.23-11.22.
Variant type: Duplication.
Identifiers: ClinVar variation 2423581 (VCV002423581.8).